The following is an entry in ClinVar:

NM_138370.3(PKDCC):c.338C>G (p.Pro113Arg)

Gene: PKDCC (protein kinase domain containing, cytoplasmic; plus strand). Cytogenetic location: 2p21.
Variant type: single nucleotide variant.
Coding change: c.338C>G on transcript NM_138370.3 (MANE Select); coding-DNA position 338, C replaced by G.
Protein change: p.Pro113Arg; replaces proline 113 with arginine.
Molecular consequence: missense variant.
Genome position (GRCh38, 1-based): chr2:42,048,537, C>G. VCF-style: chr2-42048537-C-G. GRCh37 (hg19) VCF-style: chr2-42275677-C-G.
Other names: c.338C>G (NM_138370.2); short protein forms P113R.
Identifiers: ClinVar variation 1942112 (VCV001942112.4), dbSNP rs1252411814, ClinGen allele CA346622962.

ClinVar aggregate classification (germline): Uncertain significance. Review status: criteria provided, multiple submitters, no conflicts (2 of 4 stars). 2 submissions from 2 submitters: Uncertain significance (2). Last evaluated 2025-10-18.

Conditions:
Inborn genetic diseases. Identifiers: MedGen C0950123, MeSH D030342.

Allele frequency attached by ClinVar (database versions not stated): gnomAD 0.00001; TOPMed 0.00001.

Submissions (2):

Ambry Genetics
Classification: Uncertain significance for Inborn genetic diseases. Last evaluated: 2025-10-18. Review status: criteria provided, single submitter. Criteria: Ambry Variant Classification Scheme 2023. Collection method: clinical testing. Allele origin: germline.

Labcorp Genetics (formerly Invitae), Labcorp
Classification: Uncertain significance. Last evaluated: 2025-03-17. Review status: criteria provided, single submitter. Criteria: Invitae Variant Classification Sherloc (09022015). Collection method: clinical testing. Allele origin: germline.
Comment: This sequence change replaces proline, which is neutral and non-polar, with arginine, which is basic and polar, at codon 113 of the PKDCC protein (p.Pro113Arg). The frequency data for this variant in the population databases is considered unreliable, as metrics indicate insufficient coverage at this position in the gnomAD database. This variant has not been reported in the literature in individuals affected with PKDCC-related conditions. ClinVar contains an entry for this variant (Variation ID: 1942112). An algorithm developed to predict the effect of missense changes on protein structure and function (PolyPhen-2) suggests that this variant is likely to be tolerated. In summary, the available evidence is currently insufficient to determine the role of this variant in disease. Therefore, it has been classified as a Variant of Uncertain Significance.